The following is an entry in ClinVar:

ClinVar aggregate classification (germline): Conflicting classifications of pathogenicity. Review status: criteria provided, conflicting classifications (1 of 4 stars). 9 submissions from 8 submitters: Uncertain significance (1); Benign (1); Likely benign (7). Last evaluated 2026-01-19.

Conditions:
TSC1-related disorder. Also called: TSC1-related condition.
Hereditary cancer-predisposing syndrome. Also called: Neoplastic Syndromes, Hereditary; Tumor predisposition; Hereditary Cancer Syndrome; Hereditary neoplastic syndrome. Identifiers: Orphanet 140162, MedGen C0027672, MeSH D009386, MONDO:0015356.
Isolated focal cortical dysplasia type II (FCORD2). Also called: Focal cortical dysplasia type II; CORTICAL DYSPLASIA OF TAYLOR. Identifiers: Orphanet 268994, MedGen C1846385, MONDO:0011818, OMIM 607341, HP:0032051.
Tuberous sclerosis syndrome (TSC). Also called: Tuberous Sclerosis Complex; Tuberous sclerosis. Identifiers: Orphanet 805, MedGen C0041341, MONDO:0001734.
Tuberous sclerosis 1 (TSC1). Identifiers: Orphanet 805, MedGen C1854465, MONDO:0008612, OMIM 191100.

Allele frequency attached by ClinVar (database versions not stated): gnomAD 0.00001; gnomAD exomes 0.00001; ExAC 0.00002; TOPMed 0.00002.
gnomAD v4.1: 11 of 1,613,958 alleles (0.00068%); highest among the groups gnomAD compares: Non-Finnish European, 0.00085%; no homozygotes.

Submissions (9):

Labcorp Genetics (formerly Invitae), Labcorp
Classification: Likely benign for Tuberous sclerosis 1. Last evaluated: 2026-01-19. Review status: criteria provided, single submitter. Criteria: Invitae Variant Classification Sherloc (09022015). Collection method: clinical testing. Allele origin: germline.

Color Diagnostics, LLC DBA Color Health
Classification: Likely benign for Tuberous sclerosis syndrome. Last evaluated: 2025-06-23. Review status: criteria provided, single submitter. Criteria: ACMG Guidelines, 2015. Collection method: clinical testing. Allele origin: germline.

PreventionGenetics, part of Exact Sciences
Classification: Likely benign for TSC1-related condition. Last evaluated: 2025-06-04. Review status: criteria provided, single submitter. Criteria: ACMG Guidelines, 2015. Collection method: clinical testing. Allele origin: germline.
Comment: This variant is classified as likely benign based on ACMG/AMP sequence variant interpretation guidelines (Richards et al. 2015 PMID: 25741868, with internal and published modifications).

Blueprint Genetics
Classification: Benign. Last evaluated: 2022-10-17. Review status: criteria provided, single submitter. Criteria: ACMG Guidelines, 2015. Collection method: clinical testing. Allele origin: germline.

Genome-Nilou Lab
Classification: Likely benign for Tuberous sclerosis 1. Last evaluated: 2021-11-07. Review status: criteria provided, single submitter. Criteria: ACMG Guidelines, 2015. Collection method: clinical testing. Allele origin: germline. Affected: no.

Sema4
Classification: Likely benign for Hereditary cancer-predisposing syndrome. Last evaluated: 2021-08-18. Review status: criteria provided, single submitter. Criteria: Sema4 Curation Guidelines. Collection method: curation. Allele origin: germline.

GeneDx
Classification: Likely benign. Last evaluated: 2021-05-03. Review status: criteria provided, single submitter. Criteria: GeneDx Variant Classification Process June 2021. Collection method: clinical testing. Allele origin: germline. Affected: yes.

Illumina Laboratory Services, Illumina
Classification: Likely benign for Isolated focal cortical dysplasia type II. Last evaluated: 2018-01-13. Review status: criteria provided, single submitter. Criteria: ICSL Variant Classification Criteria 13 December 2019. Collection method: clinical testing. Allele origin: germline.
Comment: This variant was observed in the ICSL laboratory as part of a predisposition screen in an ostensibly healthy population. It had not been previously curated by ICSL or reported in the Human Gene Mutation Database (HGMD: prior to June 1st, 2018), and was therefore a candidate for classification through an automated scoring system. Utilizing variant allele frequency, disease prevalence and penetrance estimates, and inheritance mode, an automated score was calculated to assess if this variant is too frequent to cause the disease. Based on the score and internal cut-off values, a variant classified as likely benign is not then subjected to further curation. The score for this variant resulted in a classification of likely benign for this disease.

Illumina Laboratory Services, Illumina
Classification: Uncertain significance for Tuberous sclerosis 1. Last evaluated: 2018-01-13. Review status: criteria provided, single submitter. Criteria: ICSL Variant Classification Criteria 13 December 2019. Collection method: clinical testing. Allele origin: germline.

NM_000368.5(TSC1):c.738-10C>A

Gene: TSC1 (TSC complex subunit 1; minus strand). Cytogenetic location: 9q34.13.
Variant type: single nucleotide variant.
Coding change: c.738-10C>A on transcript NM_000368.5 (MANE Select); 10 bases into the intron before coding-DNA position 738, C replaced by A.
Molecular consequence: intron variant.
Genome position (GRCh38, 1-based): chr9:132,912,467, G>T on the plus strand (C>A on the coding strand, the complement: TSC1 is on the minus strand). VCF-style: chr9-132912467-G-T. GRCh37 (hg19) VCF-style: chr9-135787854-G-T.
Other names: c.375-10C>A (NM_001362177.2); c.585-10C>A (NM_001162427.2); c.738-10C>A (NM_001162426.2).
Identifiers: ClinVar variation 378765 (VCV000378765.22), dbSNP rs768158324, ClinGen allele CA038740.